The following is an entry in ClinVar:

NM_032830.3(UTP4):c.1940A>G (p.Tyr647Cys)

Gene: UTP4 (UTP4 small subunit processome component). Cytogenetic location: 16q22.1.
Variant type: single nucleotide variant.
Coding change: c.1940A>G on transcript NM_032830.3 (MANE Select); coding-DNA position 1940, A replaced by G.
Protein change: p.Tyr647Cys; replaces tyrosine 647 with cysteine.
Molecular consequence: missense variant.
Genome position (GRCh38, 1-based): chr16:69,167,181, A>G. VCF-style: chr16-69167181-A-G. GRCh37 (hg19) VCF-style: chr16-69201084-A-G.
Other names: c.1691A>G, p.Tyr564Cys (NM_001318391.2); short protein forms Y647C, Y564C.
Identifiers: ClinVar variation 2698536 (VCV002698536.3), dbSNP rs369580614, ClinGen allele CA8132591.
Genomic context (GRCh38, chr16:69,167,181, plus strand): 5'-CGAATGAATCAGATGTCATCCGGAGGCGCACAGCTCATGCTTTTAAAATTTCTAAGATAT[A>G]TAAGGTAAAACATCTTGTGTTGTTATTCTGGATAGTTGGTTCCTTTGTGATACCAAAATG-3'
Protein context (NP_116219.2, residues 637-657): TAHAFKISKI[Tyr647Cys]KPLLFMDLLD

ClinVar aggregate classification (germline): Uncertain significance (1 of 4 stars; one submission).

Allele frequency attached by ClinVar (database versions not stated): ExAC 0.00005; ESP Exome Variant Server 0.00008; TOPMed 0.00003.

Submission:

Labcorp Genetics (formerly Invitae), Labcorp
Classification: Uncertain significance. Last evaluated: 2025-05-03. Review status: criteria provided, single submitter. Criteria: Invitae Variant Classification Sherloc (09022015). Collection method: clinical testing. Allele origin: germline.
Comment: This sequence change replaces tyrosine, which is neutral and polar, with cysteine, which is neutral and slightly polar, at codon 647 of the UTP4 protein (p.Tyr647Cys). This variant is present in population databases (rs369580614, gnomAD 0.02%). This variant has not been reported in the literature in individuals affected with UTP4-related conditions. ClinVar contains an entry for this variant (Variation ID: 2698536). Invitae Evidence Modeling of protein sequence and biophysical properties (such as structural, functional, and spatial information, amino acid conservation, physicochemical variation, residue mobility, and thermodynamic stability) indicates that this missense variant is expected to disrupt UTP4 protein function with a positive predictive value of 80%. In summary, the available evidence is currently insufficient to determine the role of this variant in disease. Therefore, it has been classified as a Variant of Uncertain Significance.